The following is an entry in ClinVar:

ClinVar aggregate classification (germline): Uncertain significance. Review status: criteria provided, multiple submitters, no conflicts (2 of 4 stars). 2 submissions from 2 submitters: Uncertain significance (2). Last evaluated 2025-06-26.

Conditions:
Inborn genetic diseases. Identifiers: MedGen C0950123, MeSH D030342.
Baller-Gerold syndrome (BGS). Also called: CRANIOSYNOSTOSIS WITH RADIAL DEFECTS. Identifiers: Orphanet 1225, MedGen C0265308, MONDO:0009039, OMIM 218600.

Allele frequency attached by ClinVar (database versions not stated): gnomAD exomes below 0.00001.
gnomAD v4.1: 1 of 1,611,524 alleles (0.000062%); highest among the groups gnomAD compares: Non-Finnish European, 0.000085%; no homozygotes.

Submissions (2):

Ambry Genetics
Classification: Uncertain significance for Inborn genetic diseases. Last evaluated: 2025-06-26. Review status: criteria provided, single submitter. Criteria: Ambry Variant Classification Scheme 2023. Collection method: clinical testing. Allele origin: germline.
Comment: The p.Y363H variant (also known as c.1087T>C), located in coding exon 5 of the RECQL4 gene, results from a T to C substitution at nucleotide position 1087. The tyrosine at codon 363 is replaced by histidine, an amino acid with similar properties. This amino acid position is conserved. In addition, this alteration is predicted to be tolerated by in silico analysis. Based on the available evidence, the clinical significance of this variant remains unclear.

Labcorp Genetics (formerly Invitae), Labcorp
Classification: Uncertain significance for Baller-Gerold syndrome. Last evaluated: 2021-08-01. Review status: criteria provided, single submitter. Criteria: Invitae Variant Classification Sherloc (09022015). Collection method: clinical testing. Allele origin: germline.
Comment: This variant has not been reported in the literature in individuals affected with RECQL4-related conditions. In summary, the available evidence is currently insufficient to determine the role of this variant in disease. Therefore, it has been classified as a Variant of Uncertain Significance. Experimental studies and prediction algorithms are not available or were not evaluated, and the functional significance of this variant is currently unknown. This variant is not present in population databases (ExAC no frequency). This sequence change replaces tyrosine with histidine at codon 363 of the RECQL4 protein (p.Tyr363His). The tyrosine residue is moderately conserved and there is a moderate physicochemical difference between tyrosine and histidine.

NM_004260.4(RECQL4):c.1087T>C (p.Tyr363His)

Gene: RECQL4 (RecQ like helicase 4; minus strand). Cytogenetic location: 8q24.3.
Variant type: single nucleotide variant.
Coding change: c.1087T>C on transcript NM_004260.4 (MANE Select); coding-DNA position 1087, T replaced by C.
Protein change: p.Tyr363His; replaces tyrosine 363 with histidine.
Molecular consequence: missense variant.
Genome position (GRCh38, 1-based): chr8:144,516,032, A>G on the plus strand (T>C on the coding strand, the complement: RECQL4 is on the minus strand). VCF-style: chr8-144516032-A-G. GRCh37 (hg19) VCF-style: chr8-145741416-A-G.
Other names: c.1087T>C (NM_004260.3); short protein forms Y363H.
Identifiers: ClinVar variation 1372784 (VCV001372784.7), dbSNP rs2130716237, ClinGen allele CA372688097.